The following is an entry in ClinVar:

ClinVar aggregate classification (germline): Pathogenic (1 of 4 stars; one submission).

Submission:

Labcorp Genetics (formerly Invitae), Labcorp
Classification: Pathogenic. Last evaluated: 2021-03-03. Review status: criteria provided, single submitter. Criteria: Invitae Variant Classification Sherloc (09022015). Collection method: clinical testing. Allele origin: germline.
Comment: For these reasons, this variant has been classified as Pathogenic. This variant has not been reported in the literature in individuals with GPR143-related conditions. The frequency data for this variant in the population databases is considered unreliable, as metrics indicate insufficient coverage at this position in the ExAC database. This sequence change creates a premature translational stop signal (p.Cys77Trpfs*4) in the GPR143 gene. It is expected to result in an absent or disrupted protein product. Loss-of-function variants in GPR143 are known to be pathogenic (PMID: 15965158, 18978956, 19390656, 21541274, 26160353, 28211458).

Literature cited by the submitters: PubMed 15965158; PubMed 18978956; PubMed 19390656; PubMed 21541274; PubMed 26160353; PubMed 28211458.

NM_000273.3(GPR143):c.231_249del (p.Cys77fs)

Gene: GPR143 (G protein-coupled receptor 143; minus strand). Cytogenetic location: Xp22.2.
Variant type: Deletion.
Coding change: c.231_249del on transcript NM_000273.3 (MANE Select); coding-DNA positions 231 to 249, 19 bases deleted (CGACCTTCTCGGCTGCCTG).
Protein change: p.Cys77fs; shifts the reading frame from cysteine 77.
Molecular consequence: frameshift variant.
Genome position (GRCh38, 1-based): chrX:9,765,569-9,765,587, CAGGCAGCCGAGAAGGTCG deleted on the plus strand (CGACCTTCTCGGCTGCCTG on the coding strand, the reverse complement: GPR143 is on the minus strand); deleting any 19 consecutive bases within chrX:9,765,569-9,765,595 gives the same sequence; the c. name uses the placement nearest the transcript's 3' end. VCF-style (leftmost placement, unchanged base first): chrX-9765568-CCAGGCAGCCGAGAAGGTCG-C. GRCh37 (hg19) VCF-style: chrX-9733608-CCAGGCAGCCGAGAAGGTCG-C.
Other names: short protein forms C77fs.
Identifiers: ClinVar variation 1428544 (VCV001428544.6), dbSNP rs2146705597, ClinGen allele CA2573159672.